The following is an entry in ClinVar:

ClinVar aggregate classification (germline): Uncertain significance (1 of 4 stars; one submission).

Conditions:
Combined immunodeficiency due to STIM1 deficiency. Also called: IMMUNODEFICIENCY 10; STIM1 DEFICIENCY. Identifiers: Orphanet 169090, Orphanet 317430, MedGen C2748557, MONDO:0013008, OMIM 612783.
Myopathy with tubular aggregates (TAM). Also called: Tubular Aggregate Myopathy. Identifiers: Orphanet 2593, MedGen C0410207, MONDO:0008051.
Stormorken syndrome (STRMK). Also called: THROMBOCYTOPATHY, ASPLENIA, AND MIOSIS. Identifiers: Orphanet 3204, MedGen C1861451, MONDO:0008497, OMIM 185070.

Allele frequency attached by ClinVar (database versions not stated): TOPMed below 0.00001; ExAC 0.00001; gnomAD exomes 0.00002; gnomAD 0.00003; ESP Exome Variant Server 0.00008.
gnomAD v4.1: 33 of 1,613,974 alleles (0.002%); highest among the groups gnomAD compares: Non-Finnish European, 0.0028%; no homozygotes.

Submission:

Labcorp Genetics (formerly Invitae), Labcorp
Classification: Uncertain significance for Myopathy with tubular aggregates; Combined immunodeficiency due to STIM1 deficiency; Stormorken syndrome. Last evaluated: 2025-08-14. Review status: criteria provided, single submitter. Criteria: Invitae Variant Classification Sherloc (09022015). Collection method: clinical testing. Allele origin: germline.
Comment: This sequence change replaces threonine, which is neutral and polar, with alanine, which is neutral and non-polar, at codon 197 of the STIM1 protein (p.Thr197Ala). The frequency data for this variant in the population databases is considered unreliable, as metrics indicate poor data quality at this position in the gnomAD database. This variant has not been reported in the literature in individuals affected with STIM1-related conditions. ClinVar contains an entry for this variant (Variation ID: 959783). Invitae Evidence Modeling of protein sequence and biophysical properties (such as structural, functional, and spatial information, amino acid conservation, physicochemical variation, residue mobility, and thermodynamic stability) has been performed for this missense variant. However, the output from this modeling did not meet the statistical confidence thresholds required to predict the impact of this variant on STIM1 protein function. In summary, the available evidence is currently insufficient to determine the role of this variant in disease. Therefore, it has been classified as a Variant of Uncertain Significance.

NM_001382567.1(STIM1):c.589A>G (p.Thr197Ala)

Gene: STIM1 (stromal interaction molecule 1; plus strand). Cytogenetic location: 11p15.4.
Variant type: single nucleotide variant.
Coding change: c.589A>G on transcript NM_001382567.1 (MANE Select); coding-DNA position 589, A replaced by G.
Protein change: p.Thr197Ala; replaces threonine 197 with alanine.
Molecular consequence: missense variant. On other transcripts: non-coding transcript variant (3), intron variant (1).
Genome position (GRCh38, 1-based): chr11:4,059,372, A>G. VCF-style: chr11-4059372-A-G. GRCh37 (hg19) VCF-style: chr11-4080602-A-G.
Other names: c.589A>G, p.Thr197Ala (NM_001277961.3, NM_001277962.2, NM_001382568.1 and 2 more transcripts); c.367A>G, p.Thr123Ala (NM_001382566.1, NM_001382573.1, NM_001382574.1 and 5 more transcripts); c.454A>G, p.Thr152Ala (NM_001382569.1); c.109A>G, p.Thr37Ala (NM_001382571.1); c.100A>G, p.Thr34Ala (NM_001382580.1, NM_001382581.1); c.386-10654A>G (NM_001382570.1); short protein forms T37A, T123A, T152A, T197A, T34A.
Identifiers: ClinVar variation 959783 (VCV000959783.9), dbSNP rs367888213, ClinGen allele CA5830257.